The following is an entry in ClinVar:

NM_002087.4(GRN):c.99C>T (p.Asp33=)

Gene: GRN (granulin precursor; plus strand). Cytogenetic location: 17q21.31.
Variant type: single nucleotide variant.
Coding change: c.99C>T on transcript NM_002087.4 (MANE Select); coding-DNA position 99, C replaced by T.
Protein change: p.Asp33=; no amino-acid change (aspartic acid 33 retained).
Molecular consequence: synonymous variant.
Genome position (GRCh38, 1-based): chr17:44,349,263, C>T. VCF-style: chr17-44349263-C-T. GRCh37 (hg19) VCF-style: chr17-42426631-C-T.
Identifiers: ClinVar variation 98123 (VCV000098123.91), dbSNP rs63750742, ClinGen allele CA225206.

ClinVar aggregate classification (germline): Benign/Likely benign. Review status: criteria provided, multiple submitters, no conflicts (2 of 4 stars). 13 submissions from 13 submitters: Benign (2); Likely benign (6). 5 of the submissions do not count toward it. Last evaluated 2026-09-01.

Conditions:
Inborn genetic diseases. Identifiers: MedGen C0950123, MeSH D030342.
GRN-related frontotemporal lobar degeneration with Tdp43 inclusions (FTD2). Also called: FRONTOTEMPORAL DEMENTIA WITH TDP43 INCLUSIONS, GRN-RELATED; DEMENTIA, HEREDITARY DYSPHASIC DISINHIBITION; FRONTOTEMPORAL LOBAR DEGENERATION WITH UBIQUITIN-POSITIVE INCLUSIONS; FTLD-TDP, GRN-RELATED; GRN Frontotemporal Dementia. Identifiers: Orphanet 100070, Orphanet 282, MedGen C1843792, MONDO:0011842, OMIM 607485. Disease mechanism: loss of function.
Neuronal ceroid lipofuscinosis 11. Also called: GRN-Related Neuronal Ceroid-Lipofuscinosis. Identifiers: Orphanet 314629, Orphanet 79262, MedGen C3539123, MONDO:0013866, OMIM 614706.

Allele frequency attached by ClinVar (database versions not stated): 1000 Genomes Project 0.00120; 1000 Genomes Project 30x 0.00172; TOPMed 0.00234; ESP Exome Variant Server 0.00284.

Submissions (13):

CeGaT Center for Human Genetics Tuebingen
Classification: Likely benign. Last evaluated: 2026-09-01. Review status: criteria provided, single submitter. Criteria: CeGaT Center For Human Genetics Tuebingen Variant Classification Criteria Version 2. Collection method: clinical testing. Allele origin: germline. Affected: yes. Observed: 30 variant alleles.
Comment: GRN: BP4, BP7, BS2

Labcorp Genetics (formerly Invitae), Labcorp
Classification: Benign for Neuronal ceroid lipofuscinosis 11; GRN-related frontotemporal lobar degeneration with Tdp43 inclusions. Last evaluated: 2026-01-25. Review status: criteria provided, single submitter. Criteria: Invitae Variant Classification Sherloc (09022015). Collection method: clinical testing. Allele origin: germline.

Blueprint Genetics
Classification: Likely benign. Last evaluated: 2024-11-23. Review status: criteria provided, single submitter. Criteria: ACMG Guidelines, 2015. Collection method: clinical testing. Allele origin: germline.

Athena Diagnostics
Classification: Benign. Last evaluated: 2023-11-21. Review status: criteria provided, single submitter. Criteria: Athena Diagnostics Criteria. Collection method: clinical testing. Allele origin: unknown.

GeneDx
Classification: Likely benign. Last evaluated: 2021-03-02. Review status: criteria provided, single submitter. Criteria: GeneDx Variant Classification Process June 2021. Collection method: clinical testing. Allele origin: germline. Affected: yes.

Illumina Laboratory Services, Illumina
Classification: Likely benign for GRN-related frontotemporal lobar degeneration with Tdp43 inclusions. Last evaluated: 2017-04-27. Review status: criteria provided, single submitter. Criteria: ICSL Variant Classification Criteria 13 December 2019. Collection method: clinical testing. Allele origin: germline.
Comment: This variant was observed as part of a predisposition screen in an ostensibly healthy population. A literature search was performed for the gene, cDNA change, and amino acid change (where applicable). Publications were found based on this search. The evidence from the literature, in combination with allele frequency data from public databases where available, was sufficient to determine this variant is unlikely to cause disease. Therefore, this variant is classified as likely benign.

Ambry Genetics
Classification: Likely benign for Inborn genetic diseases. Last evaluated: 2016-10-06. Review status: criteria provided, single submitter. Criteria: Ambry Variant Classification Scheme 2023. Collection method: clinical testing. Allele origin: germline.

PreventionGenetics, part of Exact Sciences
Classification: Likely benign. Review status: criteria provided, single submitter. Criteria: ACMG Guidelines, 2015. Collection method: clinical testing. Allele origin: germline.

Mayo Clinic Laboratories, Mayo Clinic
Classification: Benign. Last evaluated: 2017-05-23. Review status: no assertion criteria provided. Collection method: clinical testing. Allele origin: unknown. Not counted in ClinVar's aggregate classification.

Clinical Genetics DNA and cytogenetics Diagnostics Lab, Erasmus MC, Erasmus Medical Center
Classification: Likely benign. Review status: no assertion criteria provided. Collection method: clinical testing. Allele origin: germline. Affected: yes. Study: VKGL Data-share Consensus. Not counted in ClinVar's aggregate classification.

Genome Diagnostics Laboratory, Amsterdam University Medical Center
Classification: Benign. Review status: no assertion criteria provided. Collection method: clinical testing. Allele origin: germline. Affected: yes. Study: VKGL Data-share Consensus. Not counted in ClinVar's aggregate classification.

Genome Diagnostics Laboratory, University Medical Center Utrecht
Classification: Likely benign. Review status: no assertion criteria provided. Collection method: clinical testing. Allele origin: germline. Affected: yes. Study: VKGL Data-share Consensus. Not counted in ClinVar's aggregate classification.

VIB  Department of Molecular Genetics, University of Antwerp
No classification provided. Review status: no classification provided. Collection method: not provided. Allele origin: unknown. Not counted in ClinVar's aggregate classification.

Literature cited by the submitters: PubMed 17345602 (cited by Athena Diagnostics and Ambry Genetics); PubMed 17371905 (cited by Athena Diagnostics); PubMed 17436289 (cited by Athena Diagnostics); PubMed 18183624 (cited by Athena Diagnostics); PubMed 18184915 (cited by Athena Diagnostics); PubMed 18752597 (cited by Athena Diagnostics); PubMed 19012866 (cited by Athena Diagnostics and Ambry Genetics); PubMed 19632744 (cited by Athena Diagnostics); PubMed 20020531 (cited by Athena Diagnostics); PubMed 20142524 (cited by Athena Diagnostics and Illumina Laboratory Services, Illumina); PubMed 16950801 (cited by Athena Diagnostics and Ambry Genetics).